The following is an entry in ClinVar:

NM_002576.5(PAK1):c.820G>C (p.Glu274Gln)

Gene: PAK1 (p21 (RAC1) activated kinase 1; minus strand). Cytogenetic location: 11q13.5.
Variant type: single nucleotide variant.
Coding change: c.820G>C on transcript NM_002576.5 (MANE Select); coding-DNA position 820, G replaced by C.
Protein change: p.Glu274Gln; replaces glutamic acid 274 with glutamine.
Molecular consequence: missense variant. On other transcripts: non-coding transcript variant (2), intron variant (2).
Genome position (GRCh38, 1-based): chr11:77,353,552, C>G on the plus strand (G>C on the coding strand, the complement: PAK1 is on the minus strand). VCF-style: chr11-77353552-C-G. GRCh37 (hg19) VCF-style: chr11-77064597-C-G.
Other names: c.820G>C, p.Glu274Gln (NM_001128620.2, NM_001376268.1, NM_001376269.1 and 23 more transcripts); c.841G>C, p.Glu281Gln (NM_001376272.1); c.811G>C, p.Glu271Gln (NM_001376294.1); c.571G>C, p.Glu191Gln (NM_001376301.1); c.526G>C, p.Glu176Gln (NM_001376302.1, NM_001376304.1, NM_001376305.1); c.597+5346G>C (NM_001376303.1); c.772+2116G>C (NM_001376295.1); short protein forms E176Q, E191Q, E271Q, E274Q, E281Q.
Identifiers: ClinVar variation 2502770 (VCV002502770.1), dbSNP rs2540331258, ClinGen allele CA382166626.

ClinVar aggregate classification (germline): Uncertain significance (1 of 4 stars; one submission).

Submission:

GeneDx
Classification: Uncertain significance. Last evaluated: 2022-11-18. Review status: criteria provided, single submitter. Criteria: GeneDx Variant Classification Process June 2021. Collection method: clinical testing. Allele origin: germline. Affected: yes.
Comment: Not observed at significant frequency in large population cohorts (gnomAD); In silico analysis supports that this missense variant does not alter protein structure/function; Has not been previously published as pathogenic or benign to our knowledge